The following is an entry in ClinVar:

NM_001164508.2(NEB):c.17013+13A>G

Gene: NEB (nebulin; minus strand). Cytogenetic location: 2q23.3.
Variant type: single nucleotide variant.
Coding change: c.17013+13A>G on transcript NM_001164508.2 (MANE Select); 13 bases into the intron after coding-DNA position 17013, A replaced by G.
Molecular consequence: intron variant.
Genome position (GRCh38, 1-based): chr2:151,575,682, T>C on the plus strand (A>G on the coding strand, the complement: NEB is on the minus strand). VCF-style: chr2-151575682-T-C. GRCh37 (hg19) VCF-style: chr2-152432196-T-C.
Other names: c.11910+13A>G (NM_004543.5); c.17013+13A>G (NM_001164507.2, NM_001271208.2).
Identifiers: ClinVar variation 512173 (VCV000512173.9), dbSNP rs547891086, ClinGen allele CA1908325.
Genomic context (GRCh38, chr2:151,575,682, plus strand): 5'-CCCTTCCATGCTCATAGTATAGCCCTGACTGGGTAACTTTCCAAACAAAAAGAGAGTCTG[T>C]TGTAGTACTTACATTGCTCACATTAAGAGCATTTGCTCTAGCGAGATTAATTTCTGGAGT-3'

ClinVar aggregate classification (germline): Likely benign. Review status: criteria provided, multiple submitters, no conflicts (2 of 4 stars). 2 submissions from 2 submitters: Likely benign (2). Last evaluated 2023-12-09.

Conditions:
Nemaline myopathy 2 (NEM2). Also called: Nemaline myopathy 2, autosomal recessive. Identifiers: MedGen C1850569, MONDO:0009725, OMIM 256030.

Allele frequency attached by ClinVar (database versions not stated): ExAC 0.00002; TOPMed 0.00002; 1000 Genomes Project 0.00020; gnomAD 0.00001; gnomAD exomes 0.00001; 1000 Genomes Project 30x 0.00016.
gnomAD v4.1: 21 of 1,520,892 alleles (0.0014%); highest among the groups gnomAD compares: East Asian, 0.009%; no homozygotes.

Submissions (2):

Labcorp Genetics (formerly Invitae), Labcorp
Classification: Likely benign for Nemaline myopathy 2. Last evaluated: 2023-12-09. Review status: criteria provided, single submitter. Criteria: Invitae Variant Classification Sherloc (09022015). Collection method: clinical testing. Allele origin: germline.

GeneDx
Classification: Likely benign. Last evaluated: 2017-09-19. Review status: criteria provided, single submitter. Criteria: GeneDx Variant Classification (06012015). Collection method: clinical testing. Allele origin: germline. Affected: yes.
Comment: This variant is considered likely benign or benign based on one or more of the following criteria: it is a conservative change, it occurs at a poorly conserved position in the protein, it is predicted to be benign by multiple in silico algorithms, and/or has population frequency not consistent with disease.